The following is an entry in ClinVar:

NM_003072.5(SMARCA4):c.1735G>A (p.Glu579Lys)

Gene: SMARCA4 (SWI/SNF related BAF chromatin remodeling complex subunit ATPase 4; plus strand). Cytogenetic location: 19p13.2.
Variant type: single nucleotide variant.
Coding change: c.1735G>A on transcript NM_003072.5 (MANE Select); coding-DNA position 1735, G replaced by A.
Protein change: p.Glu579Lys; replaces glutamic acid 579 with lysine.
Molecular consequence: missense variant. On other transcripts: non-coding transcript variant (1).
Genome position (GRCh38, 1-based): chr19:10,996,354, G>A. VCF-style: chr19-10996354-G-A. GRCh37 (hg19) VCF-style: chr19-11107030-G-A.
Other names: c.1735G>A, p.Glu579Lys (NM_001128844.3, NM_001128845.2, NM_001128846.2 and 5 more transcripts); short protein forms E579K.
Identifiers: ClinVar variation 1438072 (VCV001438072.8), dbSNP rs2145973734, ClinGen allele CA404064543.

ClinVar aggregate classification (germline): Uncertain significance (1 of 4 stars; one submission).

Conditions:
Rhabdoid tumor predisposition syndrome 2 (RTPS2). Identifiers: Orphanet 231108, Orphanet 69077, MedGen C2750074, MONDO:0013224, OMIM 613325.

Submission:

Labcorp Genetics (formerly Invitae), Labcorp
Classification: Uncertain significance for Rhabdoid tumor predisposition syndrome 2. Last evaluated: 2021-05-31. Review status: criteria provided, single submitter. Criteria: Invitae Variant Classification Sherloc (09022015). Collection method: clinical testing. Allele origin: germline.
Comment: In summary, the available evidence is currently insufficient to determine the role of this variant in disease. Therefore, it has been classified as a Variant of Uncertain Significance. Algorithms developed to predict the effect of missense changes on protein structure and function (SIFT, PolyPhen-2, Align-GVGD) all suggest that this variant is likely to be tolerated, but these predictions have not been confirmed by published functional studies and their clinical significance is uncertain. This variant has not been reported in the literature in individuals with SMARCA4-related conditions. This variant is not present in population databases (ExAC no frequency). This sequence change replaces glutamic acid with lysine at codon 579 of the SMARCA4 protein (p.Glu579Lys). The glutamic acid residue is moderately conserved and there is a small physicochemical difference between glutamic acid and lysine.